The following is an entry in ClinVar:

ClinVar aggregate classification (germline): Uncertain significance (1 of 4 stars; one submission).

Conditions:
MPDU1-congenital disorder of glycosylation. Also called: CONGENITAL DISORDER OF GLYCOSYLATION, TYPE If; CDG If; MPDU1-CDG. Identifiers: Orphanet 79323, MedGen C1836669, MONDO:0012211, OMIM 609180.

Submission:

Labcorp Genetics (formerly Invitae), Labcorp
Classification: Uncertain significance for MPDU1-congenital disorder of glycosylation. Last evaluated: 2024-04-15. Review status: criteria provided, single submitter. Criteria: Invitae Variant Classification Sherloc (09022015). Collection method: clinical testing. Allele origin: germline.
Comment: This sequence change replaces glutamine, which is neutral and polar, with histidine, which is basic and polar, at codon 243 of the MPDU1 protein (p.Gln243His). This variant is not present in population databases (gnomAD no frequency). This variant has not been reported in the literature in individuals affected with MPDU1-related conditions. ClinVar contains an entry for this variant (Variation ID: 849655). Algorithms developed to predict the effect of missense changes on protein structure and function output the following: SIFT: "Not Available"; PolyPhen-2: "Benign"; Align-GVGD: "Not Available". The histidine amino acid residue is found in multiple mammalian species, which suggests that this missense change does not adversely affect protein function. In summary, the available evidence is currently insufficient to determine the role of this variant in disease. Therefore, it has been classified as a Variant of Uncertain Significance.

NM_004870.4(MPDU1):c.729G>C (p.Gln243His)

Gene: MPDU1 (mannose-P-dolichol utilization defect 1; plus strand). Cytogenetic location: 17p13.1.
Variant type: single nucleotide variant.
Coding change: c.729G>C on transcript NM_004870.4 (MANE Select); coding-DNA position 729, G replaced by C.
Protein change: p.Gln243His; replaces glutamine 243 with histidine.
Molecular consequence: missense variant. On other transcripts: 3 prime UTR variant (1), non-coding transcript variant (1).
Genome position (GRCh38, 1-based): chr17:7,587,536, G>C. VCF-style: chr17-7587536-G-C. GRCh37 (hg19) VCF-style: chr17-7490854-G-C.
Other names: c.*92G>C (NM_001330073.1); short protein forms Q243H.
Identifiers: ClinVar variation 849655 (VCV000849655.9), dbSNP rs144333176, ClinGen allele CA397843097.